The following is an entry in ClinVar:

NM_004985.5(KRAS):c.220A>C (p.Thr74Pro)

Gene: KRAS (KRAS proto-oncogene, GTPase; minus strand). Cytogenetic location: 12p12.1.
Variant type: single nucleotide variant.
Coding change: c.220A>C on transcript NM_004985.5 (MANE Select); coding-DNA position 220, A replaced by C.
Protein change: p.Thr74Pro; replaces threonine 74 with proline.
Molecular consequence: missense variant.
Genome position (GRCh38, 1-based): chr12:25,227,304, T>G on the plus strand (A>C on the coding strand, the complement: KRAS is on the minus strand). VCF-style: chr12-25227304-T-G. GRCh37 (hg19) VCF-style: chr12-25380238-T-G.
Other names: c.220A>C, p.Thr74Pro (NM_001369786.1, NM_001369787.1, NM_033360.4); short protein forms T74P.
Identifiers: ClinVar variation 929160 (VCV000929160.2), dbSNP rs770020203, ClinGen allele CA384151943.

ClinVar aggregate classification (germline): Conflicting classifications of pathogenicity. Review status: criteria provided, conflicting classifications (1 of 4 stars). 2 submissions from 2 submitters: Likely pathogenic (1); Uncertain significance (1). Last evaluated 2019-09-12.

Conditions:
Non-immune hydrops fetalis (NIHF). Also called: Idiopathic hydrops fetalis; Familial non-immune hydrops fetalis; Fetal edema. Identifiers: Orphanet 363999, MedGen C0455988, MONDO:0009369, OMIM 236750, HP:0001790.

Submissions (2):

Genomic Medicine Lab, University of California San Francisco
Classification: Likely pathogenic for Non-immune hydrops fetalis. Last evaluated: 2019-09-12. Review status: criteria provided, single submitter. Criteria: ACMG Guidelines, 2015. Collection method: clinical testing. Allele origin: de novo. Inheritance: Autosomal dominant inheritance. Affected: yes. Study: CSER-P3EGS.

Women's Health and Genetics/Laboratory Corporation of America, LabCorp
Classification: Uncertain significance. Last evaluated: 2019-07-15. Review status: criteria provided, single submitter. Criteria: LabCorp Variant Classification Summary - May 2015. Collection method: clinical testing. Allele origin: germline.
Comment: Variant summary: KRAS c.220A>C (p.Thr74Pro) results in a non-conservative amino acid change located in the small GTP-binding protein domain (IPR005225) of the encoded protein sequence. Five of five in-silico tools predict a damaging effect of the variant on protein function. The variant was absent in 251296 control chromosomes (gnomAD). The available data on variant occurrences in the general population are insufficient to allow any conclusion about variant significance. c.220A>C has been reported in the literature in individuals affected with atypical chronic myelogenous leukemia (Tyner_2019). However, this report does not provide unequivocal conclusions about association of the variant with Noonan Syndrome and Related Conditions. Tyner et al reports that the mutations that activate Ras pathway are associated with juvenile myeloidmonocytic leuckemia, a blood malignancy that is often associated with Noonan syndrome. In their biochemical and functional characterization (using an in vitro system), this variant showed higher levels of the GTP-bound state of the enzyme and increased signaling of downstream Ras pathways (Tyner_2019). No clinical diagnostic laboratories have submitted clinical-significance assessments for this variant to ClinVar after 2014. Based on the evidence outlined above, the variant was classified as VUS.

Literature cited by the submitters: PubMed 24549645 (cited by Women's Health and Genetics/Laboratory Corporation of America, LabCorp).